The following is an entry in ClinVar:

NM_020738.4(KIDINS220):c.4544G>A (p.Arg1515His)

Gene: KIDINS220 (kinase D interacting substrate 220; minus strand). Cytogenetic location: 2p25.1.
Variant type: single nucleotide variant.
Coding change: c.4544G>A on transcript NM_020738.4 (MANE Select); coding-DNA position 4544, G replaced by A.
Protein change: p.Arg1515His; replaces arginine 1515 with histidine.
Molecular consequence: missense variant. On other transcripts: intron variant (6).
Genome position (GRCh38, 1-based): chr2:8,731,492, C>T on the plus strand (G>A on the coding strand, the complement: KIDINS220 is on the minus strand). VCF-style: chr2-8731492-C-T. GRCh37 (hg19) VCF-style: chr2-8871622-C-T.
Other names: c.4547G>A, p.Arg1516His (NM_001348729.2); c.4490G>A, p.Arg1497His (NM_001348731.2); c.4487G>A, p.Arg1496His (NM_001348732.2); c.4376G>A, p.Arg1459His (NM_001348734.2); c.4373G>A, p.Arg1458His (NM_001348735.2); c.4247G>A, p.Arg1416His (NM_001348736.2); c.3882+1952G>A (NM_001348741.2, NM_001348742.2, NM_001348743.2); c.3996+1952G>A (NM_001348738.2); and 1 more; short protein forms R1416H, R1458H, R1459H, R1496H, R1497H, R1515H, R1516H.
Identifiers: ClinVar variation 2631785 (VCV002631785.2), dbSNP rs375231110, ClinGen allele CA1519352.

ClinVar aggregate classification (germline): Uncertain significance. Review status: criteria provided, multiple submitters, no conflicts (2 of 4 stars). 2 submissions from 2 submitters: Uncertain significance (2). Last evaluated 2025-12-23.

Conditions:
KIDINS220-related disorder. Also called: KIDINS220-related condition.

Allele frequency attached by ClinVar (database versions not stated): ExAC 0.00001; gnomAD 0.00003; gnomAD exomes 0.00003; TOPMed 0.00004; ESP Exome Variant Server 0.00008.
gnomAD v4.1: 52 of 1,614,008 alleles (0.0032%); highest among the groups gnomAD compares: South Asian, 0.0044%; no homozygotes.

Submissions (2):

Labcorp Genetics (formerly Invitae), Labcorp
Classification: Uncertain significance. Last evaluated: 2025-12-23. Review status: criteria provided, single submitter. Criteria: Invitae Variant Classification Sherloc (09022015). Collection method: clinical testing. Allele origin: germline.
Comment: This sequence change replaces arginine, which is basic and polar, with histidine, which is basic and polar, at codon 1515 of the KIDINS220 protein (p.Arg1515His). This variant is present in population databases (rs375231110, gnomAD 0.005%). This variant has not been reported in the literature in individuals affected with KIDINS220-related conditions. ClinVar contains an entry for this variant (Variation ID: 2631785). An algorithm developed to predict the effect of missense changes on protein structure and function (PolyPhen-2) suggests that this variant is likely to be disruptive. In summary, the available evidence is currently insufficient to determine the role of this variant in disease. Therefore, it has been classified as a Variant of Uncertain Significance.

PreventionGenetics, part of Exact Sciences
Classification: Uncertain significance for KIDINS220-related condition. Last evaluated: 2023-06-30. Review status: criteria provided, single submitter. Criteria: ACMG Guidelines, 2015. Collection method: clinical testing. Allele origin: germline.
Comment: The KIDINS220 c.4544G>A variant is predicted to result in the amino acid substitution p.Arg1515His. To our knowledge, this variant has not been reported in the literature. This variant is reported in 0.0051% of alleles in individuals of East Asian descent in gnomAD. At this time, the clinical significance of this variant is uncertain due to the absence of conclusive functional and genetic evidence.